The following is an entry in ClinVar:

ClinVar aggregate classification (germline): Uncertain significance. Review status: criteria provided, multiple submitters, no conflicts (2 of 4 stars). 2 submissions from 2 submitters: Uncertain significance (2). Last evaluated 2025-06-25.

Conditions:
Neurodevelopmental disorder with central and peripheral motor dysfunction. Identifiers: MedGen C5193049, MONDO:0032698, OMIM 618356.
Inborn genetic diseases. Identifiers: MedGen C0950123, MeSH D030342.

Allele frequency attached by ClinVar (database versions not stated): TOPMed 0.00005; gnomAD 0.00007.

Submissions (2):

Ambry Genetics
Classification: Uncertain significance for Inborn genetic diseases. Last evaluated: 2025-06-25. Review status: criteria provided, single submitter. Criteria: Ambry Variant Classification Scheme 2023. Collection method: clinical testing. Allele origin: germline.

Institute of Human Genetics, University of Leipzig Medical Center
Classification: Uncertain significance for Neurodevelopmental disorder with central and peripheral motor dysfunction. Last evaluated: 2024-10-01. Review status: criteria provided, single submitter. Criteria: ACMG Guidelines, 2015. Collection method: clinical testing. Allele origin: inherited. Inheritance: Autosomal recessive inheritance. Affected: yes.
Comment: Criteria applied: PM2_SUP,PM3_SUP

NM_001005388.3(NFASC):c.1307G>A (p.Arg436Gln)

Gene: NFASC (neurofascin; plus strand). Cytogenetic location: 1q32.1.
Variant type: single nucleotide variant.
Coding change: c.1307G>A on transcript NM_001005388.3 (MANE Select); coding-DNA position 1307, G replaced by A.
Protein change: p.Arg436Gln; replaces arginine 436 with glutamine.
Molecular consequence: missense variant. On other transcripts: non-coding transcript variant (1).
Genome position (GRCh38, 1-based): chr1:204,974,206, G>A. VCF-style: chr1-204974206-G-A. GRCh37 (hg19) VCF-style: chr1-204943334-G-A.
Other names: c.1307G>A, p.Arg436Gln (NM_001005389.2, NM_001378329.1); c.1340G>A, p.Arg447Gln (NM_001160331.2, NM_001160332.2, NM_001365986.1 and 3 more transcripts); c.1289G>A, p.Arg430Gln (NM_001160333.2); short protein forms R447Q, R436Q, R430Q.
Identifiers: ClinVar variation 2532795 (VCV002532795.5), dbSNP rs756666571, ClinGen allele CA36397929.